The following is an entry in ClinVar:

ClinVar aggregate classification (germline): Pathogenic (1 of 4 stars; one submission).

Conditions:
Tuberous sclerosis 2 (TSC2). Identifiers: Orphanet 805, MedGen C1860707, MONDO:0013199, OMIM 613254.

Submission:

Labcorp Genetics (formerly Invitae), Labcorp
Classification: Pathogenic for Tuberous sclerosis 2. Last evaluated: 2021-10-07. Review status: criteria provided, single submitter. Criteria: Invitae Variant Classification Sherloc (09022015). Collection method: clinical testing. Allele origin: germline.
Comment: For these reasons, this variant has been classified as Pathogenic. This variant has not been reported in the literature in individuals affected with TSC2-related conditions. This variant is not present in population databases (ExAC no frequency). This sequence change creates a premature translational stop signal (p.Val118Serfs*64) in the TSC2 gene. It is expected to result in an absent or disrupted protein product. Loss-of-function variants in TSC2 are known to be pathogenic (PMID: 10205261, 17304050).

Literature cited by the submitters: PubMed 10205261; PubMed 17304050.

NM_000548.5(TSC2):c.352del (p.Val118fs)

Gene: TSC2 (TSC complex subunit 2; plus strand). Cytogenetic location: 16p13.3.
Variant type: Deletion.
Coding change: c.352del on transcript NM_000548.5 (MANE Select); coding-DNA position 352, one base deleted (G; older notation c.352delG).
Protein change: p.Val118fs; shifts the reading frame from valine 118.
Molecular consequence: frameshift variant. On other transcripts: intron variant (1).
Genome position (GRCh38, 1-based): chr16:2,054,311, G deleted; the last of 5 consecutive G bases (chr16:2,054,307-2,054,311); deleting any one gives the same sequence. VCF-style (leftmost placement, unchanged base first): chr16-2054306-TG-T. GRCh37 (hg19) VCF-style: chr16-2104307-TG-T.
Other names: c.352del, p.Val118fs (NM_001077183.3, NM_001114382.3, NM_001363528.2 and 3 more transcripts); c.241del, p.Val81fs (NM_001318827.2); c.205del, p.Val69fs (NM_001318829.2); c.385del, p.Val129fs (NM_001318832.2); c.-1-1885del (NM_001318831.2); short protein forms V129fs, V81fs, V118fs, V69fs.
Identifiers: ClinVar variation 1451715 (VCV001451715.6), dbSNP rs137853982, ClinGen allele CA2573151792.